The following is an entry in ClinVar:

ClinVar aggregate classification (germline): Uncertain significance (1 of 4 stars; one submission).

gnomAD v4.1: 3 of 1,614,114 alleles (0.00019%); highest among the groups gnomAD compares: Admixed American, 0.0017%; no homozygotes.

Submission:

GeneDx
Classification: Uncertain significance. Last evaluated: 2021-03-16. Review status: criteria provided, single submitter. Criteria: GeneDx Variant Classification Process June 2021. Collection method: clinical testing. Allele origin: germline. Affected: yes.
Comment: Has not been previously published as pathogenic or benign to our knowledge; In silico analysis supports that this missense variant does not alter protein structure/function; In-silico analysis, which includes splice predictors and evolutionary conservation, is inconclusive as to whether the variant alters gene splicing. In the absence of RNA/functional studies, the actual effect of this sequence change is unknown.

NM_007118.4(TRIO):c.6465C>A (p.Asp2155Glu)

Gene: TRIO (trio Rho guanine nucleotide exchange factor; plus strand). Cytogenetic location: 5p15.2.
Variant type: single nucleotide variant.
Coding change: c.6465C>A on transcript NM_007118.4 (MANE Select); coding-DNA position 6465, C replaced by A.
Protein change: p.Asp2155Glu; replaces aspartic acid 2155 with glutamic acid.
Molecular consequence: missense variant. On other transcripts: non-coding transcript variant (1).
Genome position (GRCh38, 1-based): chr5:14,481,618, C>A. VCF-style: chr5-14481618-C-A. GRCh37 (hg19) VCF-style: chr5-14481727-C-A.
Other names: short protein forms D2155E.
Identifiers: ClinVar variation 1314195 (VCV001314195.2), dbSNP rs187902032, ClinGen allele CA359235399.